The following is an entry in ClinVar:

NM_000069.3(CACNA1S):c.5065G>A (p.Glu1689Lys)

Gene: CACNA1S (calcium voltage-gated channel subunit alpha1 S; minus strand). Cytogenetic location: 1q32.1.
Variant type: single nucleotide variant.
Coding change: c.5065G>A on transcript NM_000069.3 (MANE Select); coding-DNA position 5065, G replaced by A.
Protein change: p.Glu1689Lys; replaces glutamic acid 1689 with lysine.
Molecular consequence: missense variant.
Genome position (GRCh38, 1-based): chr1:201,041,573, C>T on the plus strand (G>A on the coding strand, the complement: CACNA1S is on the minus strand). VCF-style: chr1-201041573-C-T. GRCh37 (hg19) VCF-style: chr1-201010701-C-T.
Other names: short protein forms E1689K.
Identifiers: ClinVar variation 3073223 (VCV003073223.4), dbSNP rs769271960, ClinGen allele CA083713.
Genomic context (GRCh38, chr1:201,041,573, plus strand): 5'-TGCAGGGTTGGCCAAGGGCTCGTCCTCTGGTAGCAGGCGTCTCTGTCTCTTCTGGGAACT[C>T]CCTTTCATAGTGGACACTGAAATGGAAGCAAGGCTGGGTGAACCAGAGAAGGCTGCTAGC-3'
Protein context (NP_000060.2, residues 1679-1699): HVFSSVHYER[Glu1689Lys]FPEETETPAT

ClinVar aggregate classification (germline): Conflicting classifications of pathogenicity. Review status: criteria provided, conflicting classifications (1 of 4 stars). 2 submissions from 2 submitters: Uncertain significance (1); Likely benign (1). Last evaluated 2025-01-30.

Conditions:
Malignant hyperthermia, susceptibility to, 5 (MHS5). Also called: CACNA1S-Related Malignant Hyperthermia Susceptibility. Identifiers: Orphanet 423, MedGen C1866077, MONDO:0011163, OMIM 601887.
Hypokalemic periodic paralysis, type 1. Also called: HypoPP; Hypokalemic Periodic Paralysis Type 1 (AD). Identifiers: Orphanet 681, MedGen C3714580, MONDO:0042979, OMIM 170400.

Allele frequency attached by ClinVar (database versions not stated): ExAC 0.00001; gnomAD 0.00001; gnomAD exomes 0.00001; TOPMed 0.00002.
gnomAD v4.1: 5 of 1,613,854 alleles (0.00031%); highest among the groups gnomAD compares: Admixed American, 0.005%; no homozygotes.

Submissions (2):

Labcorp Genetics (formerly Invitae), Labcorp
Classification: Likely benign for Hypokalemic periodic paralysis, type 1; Malignant hyperthermia, susceptibility to, 5. Last evaluated: 2025-01-30. Review status: criteria provided, single submitter. Criteria: Invitae Variant Classification Sherloc (09022015). Collection method: clinical testing. Allele origin: germline.

All of Us Research Program, National Institutes of Health
Classification: Uncertain significance for Malignant hyperthermia, susceptibility to, 5. Last evaluated: 2024-03-24. Review status: criteria provided, single submitter. Criteria: ACMG Guidelines, 2015. Collection method: clinical testing. Allele origin: germline. Inheritance: Autosomal dominant inheritance. Observed: 3 variant alleles, 3 heterozygotes.
Comment: This missense variant replaces glutamic acid with lysine at codon 1689 of the CACNA1S protein. Computational prediction is inconclusive regarding the impact of this variant on protein structure and function (internally defined REVEL score threshold 0.5 < inconclusive < 0.7, PMID: 27666373). To our knowledge, functional studies have not been reported for this variant. This variant has not been reported in individuals affected with CACNA1S-related disorders in the literature. This variant has been identified in 4/251330 chromosomes in the general population by the Genome Aggregation Database (gnomAD). The available evidence is insufficient to determine the role of this variant in disease conclusively. Therefore, this variant is classified as a Variant of Uncertain Significance.

This study involves interpretation of variants in research participants for the purpose of population health screening. Participant phenotype was not available at the time of variant classification. Additional details can be found in publication PMID: 35346344, PMCID: PMC8962531